The following is an entry in ClinVar:

NM_001130144.3(LTBP3):c.2316G>T (p.Gln772His)

Genes: LTBP3 (latent transforming growth factor beta binding protein 3; minus strand), LOC130006029 (ATAC-STARR-seq lymphoblastoid silent region 3532; plus strand). Cytogenetic location: 11q13.1.
Variant type: single nucleotide variant.
Coding change: c.2316G>T on transcript NM_001130144.3 (MANE Select); coding-DNA position 2316, G replaced by T.
Protein change: p.Gln772His; replaces glutamine 772 with histidine.
Molecular consequence: missense variant.
Genome position (GRCh38, 1-based): chr11:65,546,479, C>A on the plus strand (G>T on the coding strand, the complement: LTBP3 is on the minus strand). VCF-style: chr11-65546479-C-A. GRCh37 (hg19) VCF-style: chr11-65313950-C-A.
Other names: c.1965G>T, p.Gln655His (NM_001164266.1); c.2316G>T, p.Gln772His (NM_021070.4); c.2316G>T (NM_001130144.2); short protein forms Q655H, Q772H.
Identifiers: ClinVar variation 1491001 (VCV001491001.9), dbSNP rs201219596, ClinGen allele CA6100656.
Genomic context (GRCh38, chr11:65,546,479, plus strand): 5'-GGGGCGGGGGTGCTGGCGCTCACCCAAGCAACTGCGGCCGTCGGGCGCGGGCGCGTAGCC[C>A]TGGGCACAGGTGCAGCGGAAGGAGCCCGGGAGGTTCTCGCACCAGCCAGGCGAGCAGGGG-3'
Protein context (NP_001123616.1, residues 762-782): LPGSFRCTCA[Gln772His]GYAPAPDGRS

ClinVar aggregate classification (germline): Uncertain significance. Review status: criteria provided, multiple submitters, no conflicts (2 of 4 stars). 3 submissions from 3 submitters: Uncertain significance (2). 1 of the submissions does not count toward it. Last evaluated 2026-01-28.

Conditions:
Brachyolmia-amelogenesis imperfecta syndrome. Also called: Tooth agenesis, selective, 6; Dental anomalies and short stature; PLATYSPONDYLY WITH AMELOGENESIS IMPERFECTA. Identifiers: Orphanet 2899, MedGen C1832594, MONDO:0011018, OMIM 601216. Disease mechanism: loss of function.
LTBP3-related disorder. Also called: LTBP3-related condition.
Inborn genetic diseases. Identifiers: MedGen C0950123, MeSH D030342.

Allele frequency attached by ClinVar (database versions not stated): gnomAD exomes 0.00008 and 0.00020; ESP Exome Variant Server 0.00031; ExAC 0.00018.

Submissions (3):

Labcorp Genetics (formerly Invitae), Labcorp
Classification: Uncertain significance for Brachyolmia-amelogenesis imperfecta syndrome. Last evaluated: 2026-01-28. Review status: criteria provided, single submitter. Criteria: Invitae Variant Classification Sherloc (09022015). Collection method: clinical testing. Allele origin: germline.
Comment: This sequence change replaces glutamine, which is neutral and polar, with histidine, which is basic and polar, at codon 772 of the LTBP3 protein (p.Gln772His). This variant is present in population databases (rs201219596, gnomAD 0.02%). This variant has not been reported in the literature in individuals affected with LTBP3-related conditions. ClinVar contains an entry for this variant (Variation ID: 1491001). An algorithm developed to predict the effect of missense changes on protein structure and function (PolyPhen-2) suggests that this variant is likely to be disruptive. In summary, the available evidence is currently insufficient to determine the role of this variant in disease. Therefore, it has been classified as a Variant of Uncertain Significance.

Ambry Genetics
Classification: Uncertain significance for Inborn genetic diseases. Last evaluated: 2022-11-10. Review status: criteria provided, single submitter. Criteria: Ambry Variant Classification Scheme 2023. Collection method: clinical testing. Allele origin: germline.
Comment: The p.Q772H variant (also known as c.2316G>T), located in coding exon 16 of the LTBP3 gene, results from a G to T substitution at nucleotide position 2316. The glutamine at codon 772 is replaced by histidine, an amino acid with highly similar properties. This amino acid position is conserved. In addition, the in silico prediction for this alteration is inconclusive. Since supporting evidence is limited at this time, the clinical significance of this alteration remains unclear.

PreventionGenetics, part of Exact Sciences
Classification: Uncertain significance for LTBP3-related condition. Last evaluated: 2024-07-25. Review status: no assertion criteria provided. Collection method: clinical testing. Allele origin: germline. Not counted in ClinVar's aggregate classification.
Comment: The LTBP3 c.2316G>T variant is predicted to result in the amino acid substitution p.Gln772His. To our knowledge, this variant has not been reported in the literature. This variant is reported in 0.017% of alleles in individuals of European (Non-Finnish) descent in gnomAD. At this time, the clinical significance of this variant is uncertain due to the absence of conclusive functional and genetic evidence.